The following is an entry in ClinVar:

NM_003597.5(KLF11):c.1502C>T (p.Pro501Leu)

Gene: KLF11 (KLF transcription factor 11; plus strand). Cytogenetic location: 2p25.1.
Variant type: single nucleotide variant.
Coding change: c.1502C>T on transcript NM_003597.5 (MANE Select); coding-DNA position 1502, C replaced by T.
Protein change: p.Pro501Leu; replaces proline 501 with leucine.
Molecular consequence: missense variant.
Genome position (GRCh38, 1-based): chr2:10,052,470, C>T. VCF-style: chr2-10052470-C-T. GRCh37 (hg19) VCF-style: chr2-10192597-C-T.
Other names: c.1451C>T, p.Pro484Leu (NM_001177716.2, NM_001177718.2); short protein forms P501L, P484L.
Identifiers: ClinVar variation 2915850 (VCV002915850.3), dbSNP rs377358836, ClinGen allele CA1525802.

ClinVar aggregate classification (germline): Uncertain significance (1 of 4 stars; one submission).

Allele frequency attached by ClinVar (database versions not stated): ExAC 0.00008; gnomAD 0.00002; TOPMed 0.00003; ESP Exome Variant Server 0.00008.
gnomAD v4.1: 98 of 1,613,870 alleles (0.0061%); highest among the groups gnomAD compares: South Asian, 0.037%; no homozygotes.

Submission:

Labcorp Genetics (formerly Invitae), Labcorp
Classification: Uncertain significance. Last evaluated: 2026-02-02. Review status: criteria provided, single submitter. Criteria: Invitae Variant Classification Sherloc (09022015). Collection method: clinical testing. Allele origin: germline.
Comment: This sequence change replaces proline, which is neutral and non-polar, with leucine, which is neutral and non-polar, at codon 501 of the KLF11 protein (p.Pro501Leu). This variant is present in population databases (rs377358836, gnomAD 0.05%), and has an allele count higher than expected for a pathogenic variant. This variant has not been reported in the literature in individuals affected with KLF11-related conditions. ClinVar contains an entry for this variant (Variation ID: 2915850). An algorithm developed to predict the effect of missense changes on protein structure and function (PolyPhen-2) suggests that this variant is likely to be disruptive. In summary, the available evidence is currently insufficient to determine the role of this variant in disease. Therefore, it has been classified as a Variant of Uncertain Significance.